The following is an entry in ClinVar:

ClinVar aggregate classification (germline): Uncertain significance (1 of 4 stars; one submission).

Submission:

Labcorp Genetics (formerly Invitae), Labcorp
Classification: Uncertain significance. Last evaluated: 2025-03-21. Review status: criteria provided, single submitter. Criteria: Invitae Variant Classification Sherloc (09022015). Collection method: clinical testing. Allele origin: germline.
Comment: This sequence change replaces leucine, which is neutral and non-polar, with phenylalanine, which is neutral and non-polar, at codon 316 of the ATP6AP1 protein (p.Leu316Phe). This variant is not present in population databases (gnomAD no frequency). This variant has not been reported in the literature in individuals affected with ATP6AP1-related conditions. Invitae Evidence Modeling of protein sequence and biophysical properties (such as structural, functional, and spatial information, amino acid conservation, physicochemical variation, residue mobility, and thermodynamic stability) indicates that this missense variant is not expected to disrupt ATP6AP1 protein function with a negative predictive value of 80%. In summary, the available evidence is currently insufficient to determine the role of this variant in disease. Therefore, it has been classified as a Variant of Uncertain Significance.

NM_001183.6(ATP6AP1):c.946C>T (p.Leu316Phe)

Gene: ATP6AP1 (ATPase H+ transporting accessory protein 1; plus strand). Cytogenetic location: Xq28.
Variant type: single nucleotide variant.
Coding change: c.946C>T on transcript NM_001183.6 (MANE Select); coding-DNA position 946, C replaced by T.
Protein change: p.Leu316Phe; replaces leucine 316 with phenylalanine.
Molecular consequence: missense variant.
Genome position (GRCh38, 1-based): chrX:154,435,161, C>T. VCF-style: chrX-154435161-C-T. GRCh37 (hg19) VCF-style: chrX-153663507-C-T.
Other names: short protein forms L316F.
Identifiers: ClinVar variation 4763355 (VCV004763355.1).